The following is an entry in ClinVar:

NM_001145252.3(CFP):c.28C>G (p.Arg10Gly)

Gene: CFP (complement factor properdin; minus strand). Cytogenetic location: Xp11.23.
Variant type: single nucleotide variant.
Coding change: c.28C>G on transcript NM_001145252.3 (MANE Select); coding-DNA position 28, C replaced by G.
Protein change: p.Arg10Gly; replaces arginine 10 with glycine.
Molecular consequence: missense variant.
Genome position (GRCh38, 1-based): chrX:47,629,817, G>C on the plus strand (C>G on the coding strand, the complement: CFP is on the minus strand). VCF-style: chrX-47629817-G-C. GRCh37 (hg19) VCF-style: chrX-47489216-G-C.
Other names: c.28C>G, p.Arg10Gly (NM_002621.2); short protein forms R10G.
Identifiers: ClinVar variation 1483681 (VCV001483681.8), dbSNP rs1438325668, ClinGen allele CA412839728.
Genomic context (GRCh38, chrX:47,629,817, plus strand): 5'-TCACCCCCTCACCTGTGGCTGGCAGGGTGAGCAGCAGGAGCAGCGGCGGCAGCAACAATC[G>C]AGGGGCCTGCGCTCCCTCTGTGATCATGTTGAGTACTGCCCCCTGCACCTCTACCAGAGA-3'
Protein context (NP_001138724.1, residues 1-20): MITEGAQAP[Arg10Gly]LLLPPLLLLL

ClinVar aggregate classification (germline): Uncertain significance (1 of 4 stars; one submission).

gnomAD v4.1: 3 of 1,167,914 alleles (0.00026%); highest among the groups gnomAD compares: Non-Finnish European, 0.00034%; no homozygotes.

Submission:

Labcorp Genetics (formerly Invitae), Labcorp
Classification: Uncertain significance. Last evaluated: 2021-05-26. Review status: criteria provided, single submitter. Criteria: Invitae Variant Classification Sherloc (09022015). Collection method: clinical testing. Allele origin: germline.
Comment: This sequence change replaces arginine with glycine at codon 10 of the CFP protein (p.Arg10Gly). The arginine residue is weakly conserved and there is a moderate physicochemical difference between arginine and glycine. This variant is not present in population databases (ExAC no frequency). This variant has not been reported in the literature in individuals with CFP-related conditions. Algorithms developed to predict the effect of missense changes on protein structure and function output the following: SIFT: "Tolerated"; PolyPhen-2: "Benign"; Align-GVGD: "Class C0". The glycine amino acid residue is found in multiple mammalian species, suggesting that this missense change does not adversely affect protein function. These predictions have not been confirmed by published functional studies and their clinical significance is uncertain. In summary, the available evidence is currently insufficient to determine the role of this variant in disease. Therefore, it has been classified as a Variant of Uncertain Significance.